The following is an entry in ClinVar:

NM_015512.5(DNAH1):c.6666+1G>A

Gene: DNAH1 (dynein axonemal heavy chain 1; plus strand). Cytogenetic location: 3p21.1.
Variant type: single nucleotide variant.
Coding change: c.6666+1G>A on transcript NM_015512.5 (MANE Select); the canonical splice donor site of the intron after coding-DNA position 6666, G replaced by A.
Molecular consequence: splice donor variant.
Genome position (GRCh38, 1-based): chr3:52,372,087, G>A. VCF-style: chr3-52372087-G-A. GRCh37 (hg19) VCF-style: chr3-52406103-G-A.
Identifiers: ClinVar variation 2946466 (VCV002946466.3), dbSNP rs753659345, ClinGen allele CA2434586.

ClinVar aggregate classification (germline): Likely pathogenic (1 of 4 stars; one submission).

Conditions:
Spermatogenic failure 18. Identifiers: MedGen C4539783, MONDO:0054615, OMIM 617576.
Ciliary dyskinesia, primary, 37 (CILD37). Also called: CILIARY DYSKINESIA, PRIMARY, 37, WITH OR WITHOUT SITUS INVERSUS. Identifiers: MedGen C4539798, MONDO:0033204, OMIM 617577.

Allele frequency attached by ClinVar (database versions not stated): ExAC 0.00001; TOPMed 0.00001.
gnomAD v4.1: 8 of 1,613,312 alleles (0.0005%); highest among the groups gnomAD compares: East Asian, 0.0022%; no homozygotes.

Submission:

Labcorp Genetics (formerly Invitae), Labcorp
Classification: Likely pathogenic for Ciliary dyskinesia, primary, 37; Spermatogenic failure 18. Last evaluated: 2023-10-05. Review status: criteria provided, single submitter. Criteria: Invitae Variant Classification Sherloc (09022015). Collection method: clinical testing. Allele origin: germline.
Comment: This sequence change affects a donor splice site in intron 42 of the DNAH1 gene. It is expected to disrupt RNA splicing. Variants that disrupt the donor or acceptor splice site typically lead to a loss of protein function (PMID: 16199547), and loss-of-function variants in DNAH1 are known to be pathogenic (PMID: 27573432, 27798045). The frequency data for this variant in the population databases is considered unreliable, as metrics indicate poor data quality at this position in the gnomAD database. This variant has not been reported in the literature in individuals affected with DNAH1-related conditions. Algorithms developed to predict the effect of sequence changes on RNA splicing suggest that this variant may disrupt the consensus splice site. In summary, the currently available evidence indicates that the variant is pathogenic, but additional data are needed to prove that conclusively. Therefore, this variant has been classified as Likely Pathogenic.

Literature cited by the submitters: PubMed 16199547; PubMed 27573432; PubMed 27798045.